The following is an entry in ClinVar:

ClinVar aggregate classification (germline): Uncertain significance (1 of 4 stars; one submission).

Allele frequency attached by ClinVar (database versions not stated): gnomAD 0.00001; TOPMed 0.00001.
gnomAD v4.1: 6 of 1,614,010 alleles (0.00037%); highest among the groups gnomAD compares: Non-Finnish European, 0.00051%; no homozygotes.

Submission:

Labcorp Genetics (formerly Invitae), Labcorp
Classification: Uncertain significance. Last evaluated: 2024-06-18. Review status: criteria provided, single submitter. Criteria: Invitae Variant Classification Sherloc (09022015). Collection method: clinical testing. Allele origin: germline.
Comment: This sequence change replaces serine, which is neutral and polar, with threonine, which is neutral and polar, at codon 397 of the PPP2R5D protein (p.Ser397Thr). This variant is not present in population databases (gnomAD no frequency). This variant has not been reported in the literature in individuals affected with PPP2R5D-related conditions. ClinVar contains an entry for this variant (Variation ID: 1990300). An algorithm developed to predict the effect of missense changes on protein structure and function (PolyPhen-2) suggests that this variant is likely to be tolerated. In summary, the available evidence is currently insufficient to determine the role of this variant in disease. Therefore, it has been classified as a Variant of Uncertain Significance.

NM_006245.4(PPP2R5D):c.1190G>C (p.Ser397Thr)

Gene: PPP2R5D (protein phosphatase 2 regulatory subunit B'delta; plus strand). Cytogenetic location: 6p21.1.
Variant type: single nucleotide variant.
Coding change: c.1190G>C on transcript NM_006245.4 (MANE Select); coding-DNA position 1190, G replaced by C.
Protein change: p.Ser397Thr; replaces serine 397 with threonine.
Molecular consequence: missense variant.
Genome position (GRCh38, 1-based): chr6:43,009,166, G>C. VCF-style: chr6-43009166-G-C. GRCh37 (hg19) VCF-style: chr6-42976904-G-C.
Other names: c.737G>C, p.Ser246Thr (NM_001270476.2); c.1094G>C, p.Ser365Thr (NM_180976.3); c.872G>C, p.Ser291Thr (NM_180977.3); short protein forms S246T, S291T, S365T, S397T.
Identifiers: ClinVar variation 1990300 (VCV001990300.4), dbSNP rs1316815266, ClinGen allele CA364193802.
Genomic context (GRCh38, chr6:43,009,166, plus strand): 5'-AGGTGATGTTCTTGAATGAGCTGGAGGAGATTCTGGACGTCATTGAACCTTCTGAGTTCA[G>C]CAAAGTGATGGAACCCCTCTTCCGCCAGCTGGCCAAGTGTGTCTCTAGCCCCCATTTCCA-3'
Protein context (NP_006236.1, residues 387-407): ILDVIEPSEF[Ser397Thr]KVMEPLFRQL